The following is an entry in ClinVar:

NM_001031689.3(PLAA):c.1922G>A (p.Ser641Asn)

Gene: PLAA (phospholipase A2 activating protein; minus strand). Cytogenetic location: 9p21.2.
Variant type: single nucleotide variant.
Coding change: c.1922G>A on transcript NM_001031689.3 (MANE Select); coding-DNA position 1922, G replaced by A.
Protein change: p.Ser641Asn; replaces serine 641 with asparagine.
Molecular consequence: missense variant.
Genome position (GRCh38, 1-based): chr9:26,905,977, C>T on the plus strand (G>A on the coding strand, the complement: PLAA is on the minus strand). VCF-style: chr9-26905977-C-T. GRCh37 (hg19) VCF-style: chr9-26905975-C-T.
Other names: c.1853G>A, p.Ser618Asn (NM_001321546.2); short protein forms S618N, S641N.
Identifiers: ClinVar variation 1714415 (VCV001714415.5), dbSNP rs1824223035, ClinGen allele CA373127049.

ClinVar aggregate classification (germline): Uncertain significance (1 of 4 stars; one submission).

Submission:

Labcorp Genetics (formerly Invitae), Labcorp
Classification: Uncertain significance. Last evaluated: 2023-08-04. Review status: criteria provided, single submitter. Criteria: Invitae Variant Classification Sherloc (09022015). Collection method: clinical testing. Allele origin: germline.
Comment: In summary, the available evidence is currently insufficient to determine the role of this variant in disease. Therefore, it has been classified as a Variant of Uncertain Significance. Advanced modeling of protein sequence and biophysical properties (such as structural, functional, and spatial information, amino acid conservation, physicochemical variation, residue mobility, and thermodynamic stability) performed at Invitae indicates that this missense variant is not expected to disrupt PLAA protein function. ClinVar contains an entry for this variant (Variation ID: 1714415). This variant has not been reported in the literature in individuals affected with PLAA-related conditions. This variant is not present in population databases (gnomAD no frequency). This sequence change replaces serine, which is neutral and polar, with asparagine, which is neutral and polar, at codon 641 of the PLAA protein (p.Ser641Asn).